The following is an entry in ClinVar:

NM_000089.4(COL1A2):c.1943C>T (p.Ala648Val)

Gene: COL1A2 (collagen type I alpha 2 chain; plus strand). Cytogenetic location: 7q21.3.
Variant type: single nucleotide variant.
Coding change: c.1943C>T on transcript NM_000089.4 (MANE Select); coding-DNA position 1943, C replaced by T.
Protein change: p.Ala648Val; replaces alanine 648 with valine.
Molecular consequence: missense variant.
Genome position (GRCh38, 1-based): chr7:94,417,803, C>T. VCF-style: chr7-94417803-C-T. GRCh37 (hg19) VCF-style: chr7-94047115-C-T.
Other names: short protein forms A648V.
Identifiers: ClinVar variation 1935129 (VCV001935129.5), dbSNP rs1470335240, ClinGen allele CA368222914.

ClinVar aggregate classification (germline): Uncertain significance (1 of 4 stars; one submission).

Conditions:
Ehlers-Danlos syndrome, classic type, 1 (EDSCL1). Also called: Ehlers-Danlos syndrome, type 1; Ehlers-Danlos Syndrome, Classic Type, COL5A1-Related; EDS I; EHLERS-DANLOS SYNDROME, GRAVIS TYPE; EHLERS-DANLOS SYNDROME, SEVERE CLASSIC TYPE. Identifiers: MedGen C0268335, MONDO:0019567, OMIM 130000.
Osteogenesis imperfecta type I (OI1). Also called: Osteogenesis imperfecta type 1; Lobstein's Disease; Lobstein disease; OI, TYPE I; OSTEOGENESIS IMPERFECTA TARDA; OSTEOGENESIS IMPERFECTA WITH BLUE SCLERAE. Identifiers: Orphanet 216796, Orphanet 666, MedGen C0023931, MONDO:0008146, OMIM 166200. Disease mechanism: loss of function.

Allele frequency attached by ClinVar (database versions not stated): gnomAD exomes 0.00001.
gnomAD v4.1: 3 of 1,602,644 alleles (0.00019%); highest among the groups gnomAD compares: Admixed American, 0.0051%; no homozygotes.

Submission:

Labcorp Genetics (formerly Invitae), Labcorp
Classification: Uncertain significance for Osteogenesis imperfecta type I; Ehlers-Danlos syndrome, classic type, 1. Last evaluated: 2022-08-07. Review status: criteria provided, single submitter. Criteria: Invitae Variant Classification Sherloc (09022015). Collection method: clinical testing. Allele origin: germline.
Comment: Advanced modeling of protein sequence and biophysical properties (such as structural, functional, and spatial information, amino acid conservation, physicochemical variation, residue mobility, and thermodynamic stability) performed at Invitae indicates that this missense variant is not expected to disrupt COL1A2 protein function. In summary, the available evidence is currently insufficient to determine the role of this variant in disease. Therefore, it has been classified as a Variant of Uncertain Significance. This variant has not been reported in the literature in individuals affected with COL1A2-related conditions. The frequency data for this variant in the population databases is considered unreliable, as metrics indicate poor data quality at this position in the gnomAD database. This sequence change replaces alanine, which is neutral and non-polar, with valine, which is neutral and non-polar, at codon 648 of the COL1A2 protein (p.Ala648Val).